The following is an entry in ClinVar:

NM_001080830.5(PRAMEF12):c.879C>T (p.Pro293=)

Gene: PRAMEF12 (PRAME family member 12; plus strand). Cytogenetic location: 1p36.21.
Variant type: single nucleotide variant.
Coding change: c.879C>T on transcript NM_001080830.5 (MANE Select); coding-DNA position 879, C replaced by T.
Protein change: p.Pro293=; no amino-acid change (proline 293 retained).
Molecular consequence: synonymous variant.
Genome position (GRCh38, 1-based): chr1:12,777,026, C>T. VCF-style: chr1-12777026-C-T. GRCh37 (hg19) VCF-style: chr1-12837169-C-T.
Identifiers: ClinVar variation 2638260 (VCV002638260.24), dbSNP rs187712933, ClinGen allele CA605977.

ClinVar aggregate classification (germline): Likely benign (1 of 4 stars; one submission).

Allele frequency attached by ClinVar (database versions not stated): ExAC 0.00077; ESP Exome Variant Server 0.00085; gnomAD 0.00093; 1000 Genomes Project 0.00100; 1000 Genomes Project 30x 0.00125; TOPMed 0.00125; gnomAD exomes 0.00142.
gnomAD v4.1: 2,208 of 1,612,922 alleles (0.14%); highest among the groups gnomAD compares: Non-Finnish European, 0.17%; 3 homozygotes.

Submission:

CeGaT Center for Human Genetics Tuebingen
Classification: Likely benign. Last evaluated: 2022-07-01. Review status: criteria provided, single submitter. Criteria: CeGaT Center For Human Genetics Tuebingen Variant Classification Criteria Version 2. Collection method: clinical testing. Allele origin: germline. Affected: yes. Observed: 1 variant allele.
Comment: PRAMEF12: BP4, BP7